The following is an entry in ClinVar:

ClinVar aggregate classification (germline): Uncertain significance. Review status: criteria provided, multiple submitters, no conflicts (2 of 4 stars). 2 submissions from 2 submitters: Uncertain significance (2). Last evaluated 2025-08-22.

Conditions:
Inborn genetic diseases. Identifiers: MedGen C0950123, MeSH D030342.
KBG syndrome (KBGS). Also called: ANKRD11-Related KBG Syndrome. Identifiers: Orphanet 2332, MedGen C0220687, MONDO:0007846, OMIM 148050.

Allele frequency attached by ClinVar (database versions not stated): ESP Exome Variant Server 0.00008.
gnomAD v4.1: 69 of 1,613,396 alleles (0.0043%); highest among the groups gnomAD compares: Non-Finnish European, 0.0057%; no homozygotes.

Submissions (2):

Ambry Genetics
Classification: Uncertain significance for Inborn genetic diseases. Last evaluated: 2025-08-22. Review status: criteria provided, single submitter. Criteria: Ambry Variant Classification Scheme 2023. Collection method: clinical testing. Allele origin: germline.

Labcorp Genetics (formerly Invitae), Labcorp
Classification: Uncertain significance for KBG syndrome. Last evaluated: 2024-09-30. Review status: criteria provided, single submitter. Criteria: Invitae Variant Classification Sherloc (09022015). Collection method: clinical testing. Allele origin: germline.
Comment: This sequence change replaces proline, which is neutral and non-polar, with serine, which is neutral and polar, at codon 1970 of the ANKRD11 protein (p.Pro1970Ser). This variant is present in population databases (rs202044071, gnomAD 0.006%). This variant has not been reported in the literature in individuals affected with ANKRD11-related conditions. ClinVar contains an entry for this variant (Variation ID: 1750428). Invitae Evidence Modeling of protein sequence and biophysical properties (such as structural, functional, and spatial information, amino acid conservation, physicochemical variation, residue mobility, and thermodynamic stability) indicates that this missense variant is not expected to disrupt ANKRD11 protein function with a negative predictive value of 95%. In summary, the available evidence is currently insufficient to determine the role of this variant in disease. Therefore, it has been classified as a Variant of Uncertain Significance.

NM_013275.6(ANKRD11):c.5908C>T (p.Pro1970Ser)

Gene: ANKRD11 (ankyrin repeat domain 11; minus strand). Cytogenetic location: 16q24.3.
Variant type: single nucleotide variant.
Coding change: c.5908C>T on transcript NM_013275.6 (MANE Select); coding-DNA position 5908, C replaced by T.
Protein change: p.Pro1970Ser; replaces proline 1970 with serine.
Molecular consequence: missense variant.
Genome position (GRCh38, 1-based): chr16:89,280,634, G>A on the plus strand (C>T on the coding strand, the complement: ANKRD11 is on the minus strand). VCF-style: chr16-89280634-G-A. GRCh37 (hg19) VCF-style: chr16-89347042-G-A.
Other names: c.5908C>T, p.Pro1970Ser (NM_001256182.2, NM_001256183.2); short protein forms P1970S.
Identifiers: ClinVar variation 1750428 (VCV001750428.5), dbSNP rs202044071, ClinGen allele CA8241678.